The following is an entry in ClinVar:

NM_001164508.2(NEB):c.22817del (p.Lys7606fs)

Genes: NEB (nebulin; minus strand), RIF1 (replication timing regulatory factor 1; plus strand). Cytogenetic location: 2q23.3.
Variant type: Deletion.
Coding change: c.22817del on transcript NM_001164508.2 (MANE Select); coding-DNA position 22817, one base deleted (A; older notation c.22817delA).
Protein change: p.Lys7606fs; shifts the reading frame from lysine 7606.
Molecular consequence: frameshift variant.
Genome position (GRCh38, 1-based): chr2:151,516,547, T deleted on the plus strand (A on the coding strand, the reverse complement: NEB is on the minus strand); the first of 4 consecutive T bases (chr2:151,516,547-151,516,550); deleting any one gives the same sequence. VCF-style (leftmost placement, unchanged base first): chr2-151516546-CT-C. GRCh37 (hg19) VCF-style: chr2-152373060-CT-C.
Other names: c.22817del, p.Lys7606fs (NM_001164507.2); c.22922del, p.Lys7641fs (NM_001271208.2); c.17714del, p.Lys5905fs (NM_004543.5); short protein forms K5905fs, K7606fs, K7641fs.
Identifiers: ClinVar variation 5012990 (VCV005012990.1).

ClinVar aggregate classification (germline): Pathogenic (1 of 4 stars; one submission).

Conditions:
Nemaline myopathy 2 (NEM2). Also called: Nemaline myopathy 2, autosomal recessive. Identifiers: MedGen C1850569, MONDO:0009725, OMIM 256030.

Submission:

Myriad Genetics, Inc.
Classification: Pathogenic for Nemaline myopathy 2. Last evaluated: 2024-05-02. Review status: criteria provided, single submitter. Criteria: Myriad Autosomal Dominant, Autosomal Recessive and X-Linked Classification Criteria (2023). Collection method: clinical testing. Allele origin: unknown.
Comment: NM_001271208.1(NEB):c.22922delA(K7641Sfs*46) is expected to be pathogenic in the context of NEB-related nemaline myopathy. This variant is predicted to lead to an abnormal or absent protein product due to the creation of a premature termination codon in NEB, a gene where loss-of-function variants are known to be pathogenic. Please note: this variant was assessed in the context of healthy population screening.